The following is an entry in ClinVar:

NM_001110556.2(FLNA):c.5168G>A (p.Cys1723Tyr)

Gene: FLNA (filamin A; minus strand). Cytogenetic location: Xq28.
Variant type: single nucleotide variant.
Coding change: c.5168G>A on transcript NM_001110556.2 (MANE Select); coding-DNA position 5168, G replaced by A.
Protein change: p.Cys1723Tyr; replaces cysteine 1723 with tyrosine.
Molecular consequence: missense variant.
Genome position (GRCh38, 1-based): chrX:154,354,874, C>T on the plus strand (G>A on the coding strand, the complement: FLNA is on the minus strand). VCF-style: chrX-154354874-C-T. GRCh37 (hg19) VCF-style: chrX-153583242-C-T.
Other names: c.5144G>A, p.Cys1715Tyr (NM_001456.4); short protein forms C1715Y, C1723Y.
Identifiers: ClinVar variation 1312709 (VCV001312709.4), dbSNP rs1557176599, ClinGen allele CA415207401.

ClinVar aggregate classification (germline): Uncertain significance (1 of 4 stars; one submission).

Allele frequency attached by ClinVar (database versions not stated): gnomAD exomes 0.00001.

Submission:

GeneDx
Classification: Uncertain significance. Last evaluated: 2026-08-23. Review status: criteria provided, single submitter. Criteria: GeneDx Variant Classification Process June 2021. Collection method: clinical testing. Allele origin: germline.
Comment: In silico analysis suggests that this missense variant does not alter protein structure/function; Has not been previously published as pathogenic or benign to our knowledge